The following is an entry in ClinVar:

ClinVar aggregate classification (germline): Uncertain significance (1 of 4 stars; one submission).

Conditions:
3-methylglutaconic aciduria type 1 (MGCA1). Identifiers: Orphanet 67046, MedGen C0342727, MONDO:0009610, OMIM 250950.

Allele frequency attached by ClinVar (database versions not stated): ExAC 0.00002; gnomAD 0.00005; TOPMed 0.00006.
gnomAD v4.1: 23 of 1,609,844 alleles (0.0014%); highest among the groups gnomAD compares: African/African-American, 0.023%; no homozygotes.

Submission:

Labcorp Genetics (formerly Invitae), Labcorp
Classification: Uncertain significance for 3-methylglutaconic aciduria type 1. Last evaluated: 2023-08-04. Review status: criteria provided, single submitter. Criteria: Invitae Variant Classification Sherloc (09022015). Collection method: clinical testing. Allele origin: germline.
Comment: In summary, the available evidence is currently insufficient to determine the role of this variant in disease. Therefore, it has been classified as a Variant of Uncertain Significance. Advanced modeling of protein sequence and biophysical properties (such as structural, functional, and spatial information, amino acid conservation, physicochemical variation, residue mobility, and thermodynamic stability) performed at Invitae indicates that this missense variant is not expected to disrupt AUH protein function. ClinVar contains an entry for this variant (Variation ID: 2166663). This variant has not been reported in the literature in individuals affected with AUH-related conditions. The frequency data for this variant in the population databases is considered unreliable, as metrics indicate poor data quality at this position in the gnomAD database. This sequence change replaces proline, which is neutral and non-polar, with threonine, which is neutral and polar, at codon 333 of the AUH protein (p.Pro333Thr).

NM_001698.3(AUH):c.997C>A (p.Pro333Thr)

Gene: AUH (AU RNA binding methylglutaconyl-CoA hydratase; minus strand). Cytogenetic location: 9q22.31.
Variant type: single nucleotide variant.
Coding change: c.997C>A on transcript NM_001698.3 (MANE Select); coding-DNA position 997, C replaced by A.
Protein change: p.Pro333Thr; replaces proline 333 with threonine.
Molecular consequence: missense variant.
Genome position (GRCh38, 1-based): chr9:91,214,371, G>T on the plus strand (C>A on the coding strand, the complement: AUH is on the minus strand). VCF-style: chr9-91214371-G-T. GRCh37 (hg19) VCF-style: chr9-93976653-G-T.
Other names: c.910C>A, p.Pro304Thr (NM_001306190.2); c.670C>A, p.Pro224Thr (NM_001351431.2, NM_001351432.2); c.622C>A, p.Pro208Thr (NM_001351433.2); short protein forms P224T, P208T, P304T, P333T.
Identifiers: ClinVar variation 2166663 (VCV002166663.2), dbSNP rs765064728, ClinGen allele CA5119657.